The following is an entry in ClinVar:

ClinVar aggregate classification (germline): Uncertain significance (1 of 4 stars; one submission).

gnomAD v4.1: 1 of 1,589,228 alleles (0.000063%); highest among the groups gnomAD compares: Non-Finnish European, 0.000086%; no homozygotes.

Submission:

Ambry Genetics
Classification: Uncertain significance. Last evaluated: 2023-03-19. Review status: criteria provided, single submitter. Criteria: Ambry Variant Classification Scheme 2023. Collection method: clinical testing. Allele origin: germline.
Comment: The p.D975V variant (also known as c.2924A>T), located in coding exon 25 of the PRKDC gene, results from an A to T substitution at nucleotide position 2924. The aspartic acid at codon 975 is replaced by valine, an amino acid with highly dissimilar properties. This amino acid position is conserved. In addition, this alteration is predicted to be deleterious by in silico analysis. Since supporting evidence is limited at this time, the clinical significance of this alteration remains unclear.

NM_006904.7(PRKDC):c.2924A>T (p.Asp975Val)

Gene: PRKDC (protein kinase, DNA-activated, catalytic subunit; minus strand). Cytogenetic location: 8q11.21.
Variant type: single nucleotide variant.
Coding change: c.2924A>T on transcript NM_006904.7 (MANE Select); coding-DNA position 2924, A replaced by T.
Protein change: p.Asp975Val; replaces aspartic acid 975 with valine.
Molecular consequence: missense variant.
Genome position (GRCh38, 1-based): chr8:47,912,420, T>A on the plus strand (A>T on the coding strand, the complement: PRKDC is on the minus strand). VCF-style: chr8-47912420-T-A. GRCh37 (hg19) VCF-style: chr8-48824980-T-A.
Other names: c.2924A>T, p.Asp975Val (NM_001081640.2); short protein forms D975V.
Identifiers: ClinVar variation 2560666 (VCV002560666.2), dbSNP rs1351308193, ClinGen allele CA371158612.